The following is an entry in ClinVar:

ClinVar aggregate classification (germline): Uncertain significance (1 of 4 stars; one submission).

Allele frequency attached by ClinVar (database versions not stated): gnomAD exomes below 0.00001.
gnomAD v4.1: 1 of 1,613,454 alleles (0.000062%); highest among the groups gnomAD compares: Non-Finnish European, 0.000085%; no homozygotes.

Submission:

Labcorp Genetics (formerly Invitae), Labcorp
Classification: Uncertain significance. Last evaluated: 2023-08-17. Review status: criteria provided, single submitter. Criteria: Invitae Variant Classification Sherloc (09022015). Collection method: clinical testing. Allele origin: germline.
Comment: In summary, the available evidence is currently insufficient to determine the role of this variant in disease. Therefore, it has been classified as a Variant of Uncertain Significance. Advanced modeling of protein sequence and biophysical properties (such as structural, functional, and spatial information, amino acid conservation, physicochemical variation, residue mobility, and thermodynamic stability) performed at Invitae indicates that this missense variant is not expected to disrupt LRP5 protein function. ClinVar contains an entry for this variant (Variation ID: 1522996). This variant has not been reported in the literature in individuals affected with LRP5-related conditions. This variant is present in population databases (no rsID available, gnomAD 0.0009%). This sequence change replaces glycine, which is neutral and non-polar, with glutamic acid, which is acidic and polar, at codon 1276 of the LRP5 protein (p.Gly1276Glu).

NM_002335.4(LRP5):c.3827G>A (p.Gly1276Glu)

Gene: LRP5 (LDL receptor related protein 5; plus strand). Cytogenetic location: 11q13.2.
Variant type: single nucleotide variant.
Coding change: c.3827G>A on transcript NM_002335.4 (MANE Select); coding-DNA position 3827, G replaced by A.
Protein change: p.Gly1276Glu; replaces glycine 1276 with glutamic acid.
Molecular consequence: missense variant.
Genome position (GRCh38, 1-based): chr11:68,433,665, G>A. VCF-style: chr11-68433665-G-A. GRCh37 (hg19) VCF-style: chr11-68201133-G-A.
Other names: c.2084G>A, p.Gly695Glu (NM_001291902.2); short protein forms G1276E, G695E.
Identifiers: ClinVar variation 1522996 (VCV001522996.6), dbSNP rs1443013716, ClinGen allele CA381613704.